The following is an entry in ClinVar:

NM_001174089.2(SLC4A11):c.1656_1659del (p.His552fs)

Gene: SLC4A11 (solute carrier family 4 member 11; minus strand). Cytogenetic location: 20p13.
Variant type: Deletion.
Coding change: c.1656_1659del on transcript NM_001174089.2 (MANE Select); coding-DNA positions 1656 to 1659, 4 bases deleted (CTCA; older notation c.1656_1659delCTCA).
Protein change: p.His552fs; shifts the reading frame from histidine 552.
Molecular consequence: frameshift variant. On other transcripts: non-coding transcript variant (3).
Genome position (GRCh38, 1-based): chr20:3,229,607-3,229,610, TGAG deleted on the plus strand (CTCA on the coding strand, the reverse complement: SLC4A11 is on the minus strand); deleting any 4 consecutive bases within chr20:3,229,607-3,229,612 gives the same sequence; the c. name uses the placement nearest the transcript's 3' end. VCF-style (leftmost placement, unchanged base first): chr20-3229606-CTGAG-C. GRCh37 (hg19) VCF-style: chr20-3210252-CTGAG-C.
Other names: c.1785_1788del, p.His595fs (NM_001174090.2); c.1542_1545del, p.His514fs (NM_001363745.2); c.1599_1602del, p.His533fs (NM_001400277.1, NM_001400278.1, NM_001400279.1); c.1671_1674del, p.His557fs (NM_001400280.1); c.1704_1707del, p.His568fs (NM_032034.4); short protein forms H552fs, H514fs, H568fs, H533fs, H557fs, H595fs.
Identifiers: ClinVar variation 2838356 (VCV002838356.3), dbSNP rs2514536323, ClinGen allele CA2739277029.

ClinVar aggregate classification (germline): Pathogenic (1 of 4 stars; one submission).

Submission:

Labcorp Genetics (formerly Invitae), Labcorp
Classification: Pathogenic. Last evaluated: 2023-02-16. Review status: criteria provided, single submitter. Criteria: Invitae Variant Classification Sherloc (09022015). Collection method: clinical testing. Allele origin: germline.
Comment: This variant has not been reported in the literature in individuals affected with SLC4A11-related conditions. For these reasons, this variant has been classified as Pathogenic. This variant is not present in population databases (gnomAD no frequency). This sequence change creates a premature translational stop signal (p.His568Glnfs*65) in the SLC4A11 gene. It is expected to result in an absent or disrupted protein product. Loss-of-function variants in SLC4A11 are known to be pathogenic (PMID: 17220209, 17679935).

Literature cited by the submitters: PubMed 17220209; PubMed 17679935.